The following is an entry in ClinVar:

ClinVar aggregate classification (germline): Likely pathogenic (1 of 4 stars; one submission).

Conditions:
Dilated cardiomyopathy 1G (CMD1G). Identifiers: Orphanet 154, MedGen C1858763, MONDO:0011400, OMIM 604145.
Autosomal recessive limb-girdle muscular dystrophy type 2J (LGMDR10). Also called: Limb-girdle muscular dystrophy, type 2J; MUSCULAR DYSTROPHY, LIMB-GIRDLE, AUTOSOMAL RECESSIVE 10. Identifiers: Orphanet 140922, MedGen C1837342, MONDO:0012127, OMIM 608807.

Submission:

Labcorp Genetics (formerly Invitae), Labcorp
Classification: Likely pathogenic for Dilated cardiomyopathy 1G; Autosomal recessive limb-girdle muscular dystrophy type 2J. Last evaluated: 2021-04-23. Review status: criteria provided, single submitter. Criteria: Invitae Variant Classification Sherloc (09022015). Collection method: clinical testing. Allele origin: germline.
Comment: This variant has not been reported in the literature in individuals with TTN-related conditions. In summary, the currently available evidence indicates that the variant is pathogenic, but additional data are needed to prove that conclusively. Therefore, this variant has been classified as Likely Pathogenic. This variant is located in the A band of TTN (PMID: 25589632). Truncating variants in this region are significantly overrepresented in patients affected with dilated cardiomyopathy (PMID: 25589632). Truncating variants in this region have also been reported in individuals affected with autosomal recessive centronuclear myopathy (PMID: 23975875). This variant is not present in population databases (ExAC no frequency). This sequence change creates a premature translational stop signal (p.Glu23898Metfs*5) in the TTN gene. While this is not anticipated to result in nonsense mediated decay, it is expected to create a truncated TTN protein.

Literature cited by the submitters: PubMed 25589632; PubMed 23975875.

NM_001267550.2(TTN):c.71690_71691dup (p.Glu23898fs)

Genes: TTN (titin; minus strand), TTN-AS1 (TTN antisense RNA 1; plus strand). Cytogenetic location: 2q31.2.
Variant type: Duplication.
Coding change: c.71690_71691dup on transcript NM_001267550.2 (MANE Select); coding-DNA positions 71690 to 71691, 2 bases duplicated (AT; older notation c.71690_71691dupAT).
Protein change: p.Glu23898fs; shifts the reading frame from glutamic acid 23898.
Molecular consequence: frameshift variant.
Genome position (GRCh38, 1-based): chr2:178,574,441-178,574,442, AT duplicated on the plus strand (AT on the coding strand, the reverse complement: TTN is on the minus strand); duplicating any 2 consecutive bases within chr2:178,574,441-178,574,443 gives the same sequence; the c. name uses the placement nearest the transcript's 3' end. VCF-style (leftmost placement, unchanged base first): chr2-178574440-C-CAT. GRCh37 (hg19) VCF-style: chr2-179439167-C-CAT.
Other names: c.66767_66768dup, p.Glu22257fs (NM_001256850.1); c.44495_44496dup, p.Glu14833fs (NM_003319.4); c.63986_63987dup, p.Glu21330fs (NM_133378.4); c.44870_44871dup, p.Glu14958fs (NM_133432.3); c.45071_45072dup, p.Glu15025fs (NM_133437.4); short protein forms E14833fs, E14958fs, E22257fs, E23898fs, E21330fs, E15025fs.
Identifiers: ClinVar variation 1524395 (VCV001524395.8), dbSNP rs2154171550, ClinGen allele CA2573134315.